The following is an entry in ClinVar:

ClinVar aggregate classification (germline): Uncertain significance (0 of 4 stars; one submission).

Conditions:
COL4A1-related disorder. Also called: COL4A1-related disorders; COL4A1-related condition. Identifiers: MedGen CN376119, MONDO:0800461.

Submission:

PreventionGenetics, part of Exact Sciences
Classification: Uncertain significance for COL4A1-related condition. Last evaluated: 2024-05-03. Review status: no assertion criteria provided. Collection method: clinical testing. Allele origin: germline.
Comment: The COL4A1 c.3031_3033dupGGA variant is predicted to result in an in-frame duplication (p.Gly1011dup). To our knowledge, this variant has not been reported in the literature or in a large population database, indicating this variant is rare. This variant occurs within the triple helical region (p.Gly173_Pro1440) of COL4A1 protein and is expected to disrupt the Gly-X-Y arrangement in which in-frame insertions and deletions are known to be causative in fibrillar collagen-associated disorders (Richards et al. 2022. PubMed ID: 35885981). However, these types of variants are relatively rare in the literature for COL4A1 compared to other collagen genes (Fu et al. 2022. PubMed ID: 36307859; Nishimura et al. 2020. PubMed ID: 32565002). Although we suspect that this variant may be pathogenic, at this time, the clinical significance of this variant is uncertain due to the absence of conclusive functional and genetic evidence.

NM_001845.6(COL4A1):c.3031_3033dup (p.Gly1011_Ser1012insGly)

Gene: COL4A1 (collagen type IV alpha 1 chain; minus strand). Cytogenetic location: 13q34.
Variant type: Duplication.
Coding change: c.3031_3033dup on transcript NM_001845.6 (MANE Select); coding-DNA positions 3031 to 3033, 3 bases duplicated (GGA; older notation c.3031_3033dupGGA).
Protein change: p.Gly1011_Ser1012insGly.
Molecular consequence: inframe insertion.
Genome position (GRCh38, 1-based): chr13:110,176,449-110,176,451, TCC duplicated on the plus strand (GGA on the coding strand, the reverse complement: COL4A1 is on the minus strand); duplicating any 3 consecutive bases within chr13:110,176,449-110,176,452 gives the same sequence; the c. name uses the placement nearest the transcript's 3' end. VCF-style (leftmost placement, unchanged base first): chr13-110176448-A-ATCC. GRCh37 (hg19) VCF-style: chr13-110828795-A-ATCC.
Identifiers: ClinVar variation 3348035 (VCV003348035.1).